The following is an entry in ClinVar:

NM_213655.5(WNK1):c.2363G>A (p.Arg788His)

Gene: WNK1 (WNK lysine deficient protein kinase 1; plus strand). Cytogenetic location: 12p13.33.
Variant type: single nucleotide variant.
Coding change: c.2363G>A on transcript NM_213655.5 (MANE Plus Clinical); coding-DNA position 2363, G replaced by A.
Protein change: p.Arg788His; replaces arginine 788 with histidine.
Molecular consequence: missense variant. On other transcripts: intron variant (3).
Genome position (GRCh38, 1-based): chr12:865,333, G>A. VCF-style: chr12-865333-G-A. GRCh37 (hg19) VCF-style: chr12-974499-G-A.
Other names: c.2140-2533G>A (NM_001184985.2); c.2139+3063G>A (NM_018979.4, NM_014823.3); short protein forms R788H.
Identifiers: ClinVar variation 838811 (VCV000838811.13), dbSNP rs762594801, ClinGen allele CA6382148.

ClinVar aggregate classification (germline): Conflicting classifications of pathogenicity. Review status: criteria provided, conflicting classifications (1 of 4 stars). 4 submissions from 4 submitters: Uncertain significance (3); Likely benign (1). Last evaluated 2025-07-07.

Conditions:
WNK1-related disorder. Also called: WNK1-related condition.
Pseudohypoaldosteronism type 2C (PHA2C). Also called: Pseudohypoaldosteronism Type IIC. Identifiers: Orphanet 757, Orphanet 88940, MedGen C1840391, MONDO:0013778, OMIM 614492.
Neuropathy, hereditary sensory and autonomic, type 2A (HSAN2A). Also called: ACROOSTEOLYSIS, GIACCAI TYPE; ACROOSTEOLYSIS, NEUROGENIC; MORVAN DISEASE; WNK1-Related HSAN2 (HSAN2A); NEUROPATHY, CONGENITAL SENSORY; NEUROPATHY, HEREDITARY SENSORY RADICULAR, AUTOSOMAL RECESSIVE. Identifiers: Orphanet 970, MedGen C2752089, MONDO:0024309, OMIM 201300.
Inborn genetic diseases. Identifiers: MedGen C0950123, MeSH D030342.

Allele frequency attached by ClinVar (database versions not stated): gnomAD 0.00005 and 0.00006; gnomAD exomes 0.00005; ExAC 0.00008; TOPMed 0.00009.
gnomAD v4.1: 116 of 1,535,962 alleles (0.0076%); highest among the groups gnomAD compares: Admixed American, 0.016%; 1 homozygote.

Submissions (4):

Labcorp Genetics (formerly Invitae), Labcorp
Classification: Uncertain significance for Neuropathy, hereditary sensory and autonomic, type 2A; Pseudohypoaldosteronism type 2C. Last evaluated: 2025-07-07. Review status: criteria provided, single submitter. Criteria: Invitae Variant Classification Sherloc (09022015). Collection method: clinical testing. Allele origin: germline.
Comment: This sequence change replaces arginine, which is basic and polar, with histidine, which is basic and polar, at codon 788 of the WNK1 protein (p.Arg788His). This variant is present in population databases (rs762594801, gnomAD 0.01%). This variant has not been reported in the literature in individuals affected with WNK1-related conditions. ClinVar contains an entry for this variant (Variation ID: 838811). Invitae Evidence Modeling of protein sequence and biophysical properties (such as structural, functional, and spatial information, amino acid conservation, physicochemical variation, residue mobility, and thermodynamic stability) indicates that this missense variant is not expected to disrupt WNK1 protein function with a negative predictive value of 95%. In summary, the available evidence is currently insufficient to determine the role of this variant in disease. Therefore, it has been classified as a Variant of Uncertain Significance.

PreventionGenetics, part of Exact Sciences
Classification: Likely benign for WNK1-related condition. Last evaluated: 2025-06-11. Review status: criteria provided, single submitter. Criteria: ACMG Guidelines, 2015. Collection method: clinical testing. Allele origin: germline.
Comment: This variant is classified as likely benign based on ACMG/AMP sequence variant interpretation guidelines (Richards et al. 2015 PMID: 25741868, with internal and published modifications).

Fulgent Genetics
Classification: Uncertain significance for Neuropathy, hereditary sensory and autonomic, type 2A; Pseudohypoaldosteronism type 2C. Last evaluated: 2022-02-01. Review status: criteria provided, single submitter. Criteria: ACMG Guidelines, 2015. Collection method: clinical testing. Allele origin: unknown.

Ambry Genetics
Classification: Uncertain significance for Inborn genetic diseases. Last evaluated: 2020-02-19. Review status: criteria provided, single submitter. Criteria: Ambry Variant Classification Scheme 2023. Collection method: clinical testing. Allele origin: germline.
Comment: The p.R788H variant (also known as c.2363G>A), located in coding exon 9 of the WNK1 gene, results from a G to A substitution at nucleotide position 2363. The arginine at codon 788 is replaced by histidine, an amino acid with highly similar properties. This amino acid position is highly conserved in available vertebrate species. In addition, the in silico prediction for this alteration is inconclusive. Since supporting evidence is limited at this time, the clinical significance of this alteration remains unclear.